The following is an entry in ClinVar:

ClinVar aggregate classification (germline): Conflicting classifications of pathogenicity. Review status: criteria provided, conflicting classifications (1 of 4 stars). 6 submissions from 6 submitters: Uncertain significance (4); Likely benign (2). Last evaluated 2025-12-20.

Conditions:
Hereditary cancer-predisposing syndrome. Also called: Hereditary Cancer Syndrome; Neoplastic Syndromes, Hereditary; Tumor predisposition; Hereditary neoplastic syndrome. Identifiers: Orphanet 140162, MedGen C0027672, MeSH D009386, MONDO:0015356.
BAP1-related tumor predisposition syndrome (TPDS1). Also called: Tumor susceptibility linked to germline BAP1 mutations; BAP1 tumor predisposition syndrome; COMMON Syndrome; TUMOR PREDISPOSITION SYNDROME 1. Identifiers: Orphanet 289539, MedGen C3280492, MONDO:0013692, OMIM 614327.

Allele frequency attached by ClinVar (database versions not stated): gnomAD 0.00001; gnomAD exomes 0.00002; TOPMed 0.00002.
gnomAD v4.1: 24 of 1,614,030 alleles (0.0015%); highest among the groups gnomAD compares: Non-Finnish European, 0.002%; no homozygotes.

Submissions (6):

Labcorp Genetics (formerly Invitae), Labcorp
Classification: Likely benign for BAP1-related tumor predisposition syndrome. Last evaluated: 2025-12-20. Review status: criteria provided, single submitter. Criteria: Invitae Variant Classification Sherloc (09022015). Collection method: clinical testing. Allele origin: germline.

Center for Genomic Medicine, Rigshospitalet, Copenhagen University Hospital
Classification: Uncertain significance. Last evaluated: 2025-03-04. Review status: criteria provided, single submitter. Criteria: ACMG Guidelines, 2015. Collection method: clinical testing. Allele origin: germline.

GeneDx
Classification: Uncertain significance. Last evaluated: 2024-03-13. Review status: criteria provided, single submitter. Criteria: GeneDx Variant Classification Process June 2021. Collection method: clinical testing. Allele origin: germline. Affected: yes.
Comment: Not observed at significant frequency in large population cohorts (gnomAD); In silico analysis supports that this variant does not alter splicing; Has not been previously published as pathogenic or benign to our knowledge

Quest Diagnostics Nichols Institute San Juan Capistrano
Classification: Uncertain significance. Last evaluated: 2023-10-31. Review status: criteria provided, single submitter. Criteria: Quest Diagnostics criteria. Collection method: clinical testing. Allele origin: unknown.
Comment: The BAP1 c.67+5G>C variant has not been reported in individuals with BAP1-related conditions in the published literature. The frequency of this variant in the general population, 0.000044 (5/113508 chromosomes (Genome Aggregation Database)), is uninformative in the assessment of its pathogenicity. Analysis of this variant using software algorithms for the prediction of the effect of nucleotide changes on splicing yielded predictions that this variant may affect proper BAP1 mRNA splicing. Based on the available information, we are unable to determine the clinical significance of this variant.

Color Diagnostics, LLC DBA Color Health
Classification: Uncertain significance for Hereditary cancer-predisposing syndrome. Last evaluated: 2023-08-31. Review status: criteria provided, single submitter. Criteria: ACMG Guidelines, 2015. Collection method: clinical testing. Allele origin: germline.
Comment: This variant causes a G to C nucleotide substitution at the +5 position of intron 2 of the BAP1 gene. Splice site prediction tools predict that this variant may have a significant impact on RNA splicing. To our knowledge, functional studies have not been reported for this variant. This variant has not been reported in individuals affected with BAP1-related disorders in the literature. This variant has been identified in 5/251126 chromosomes in the general population by the Genome Aggregation Database (gnomAD). The available evidence is insufficient to determine the role of this variant in disease conclusively. Therefore, this variant is classified as a Variant of Uncertain Significance.

Ambry Genetics
Classification: Likely benign for Hereditary cancer-predisposing syndrome. Last evaluated: 2019-10-02. Review status: criteria provided, single submitter. Criteria: Ambry Variant Classification Scheme 2023. Collection method: clinical testing. Allele origin: germline.

NM_004656.4(BAP1):c.67+5G>C

Gene: BAP1 (BRCA1 associated deubiquitinase 1; minus strand). Cytogenetic location: 3p21.1.
Variant type: single nucleotide variant.
Coding change: c.67+5G>C on transcript NM_004656.4 (MANE Select); 5 bases into the intron after coding-DNA position 67, G replaced by C.
Molecular consequence: intron variant.
Genome position (GRCh38, 1-based): chr3:52,409,709, C>G on the plus strand (G>C on the coding strand, the complement: BAP1 is on the minus strand). VCF-style: chr3-52409709-C-G. GRCh37 (hg19) VCF-style: chr3-52443725-C-G.
Other names: c.67+5G>C (LRG_529t1).
Identifiers: ClinVar variation 489641 (VCV000489641.25), dbSNP rs1033651300, ClinGen allele CA74745068.